The following is an entry in ClinVar:

NM_024753.5(TTC21B):c.665A>T (p.Gln222Leu)

Genes: TTC21B (tetratricopeptide repeat domain 21B; minus strand), TTC21B-AS1 (TTC21B antisense RNA 1; plus strand). Cytogenetic location: 2q24.3.
Variant type: single nucleotide variant.
Coding change: c.665A>T on transcript NM_024753.5 (MANE Select); coding-DNA position 665, A replaced by T.
Protein change: p.Gln222Leu; replaces glutamine 222 with leucine.
Molecular consequence: missense variant.
Genome position (GRCh38, 1-based): chr2:165,941,072, T>A on the plus strand (A>T on the coding strand, the complement: TTC21B is on the minus strand). VCF-style: chr2-165941072-T-A. GRCh37 (hg19) VCF-style: chr2-166797582-T-A.
Other names: short protein forms Q222L.
Identifiers: ClinVar variation 130658 (VCV000130658.63), dbSNP rs80026831, ClinGen allele CA155856.

ClinVar aggregate classification (germline): Benign/Likely benign. Review status: criteria provided, multiple submitters, no conflicts (2 of 4 stars). 15 submissions from 14 submitters: Benign (8); Likely benign (4). 3 of the submissions do not count toward it. Last evaluated 2026-05-01.

Conditions:
Connective tissue disorder. Also called: Connective tissue disease. Identifiers: MedGen C0009782, MONDO:0003900.
Jeune thoracic dystrophy. Also called: Short-rib thoracic dysplasia; Jeune syndrome; Infantile thoracic dystrophy; Thoracic pelvic phalangeal dystrophy; Jeune's syndrome; Chondroectodermal dysplasia-like syndrome. Identifiers: Orphanet 474, MedGen C0265275, MONDO:0018770.
Nephronophthisis. Also called: Juvenile Nephronophthisis. Identifiers: Orphanet 655, MedGen C0687120, MONDO:0019005, HP:0000090.
Asphyxiating thoracic dystrophy 4 (SRTD4). Also called: SHORT-RIB THORACIC DYSPLASIA 4 WITH OR WITHOUT POLYDACTYLY; SHORT-RIB THORACIC DYSPLASIA 4. Identifiers: Orphanet 474, MedGen C3151185, MONDO:0013441, OMIM 613819.
Nephronophthisis 12 (NPHP12). Identifiers: Orphanet 655, MedGen C3151186, MONDO:0013442, OMIM 613820.

Allele frequency attached by ClinVar (database versions not stated): gnomAD exomes 0.00299; ExAC 0.00369; gnomAD 0.01209 and 0.01296; TOPMed 0.01274; ESP Exome Variant Server 0.01322; 1000 Genomes Project 0.01418; 1000 Genomes Project 30x 0.01499.
gnomAD v4.1: 3,480 of 1,613,962 alleles (0.22%); highest among the groups gnomAD compares: African/African-American, 4.1%; 80 homozygotes.

Submissions (18):

CeGaT Center for Human Genetics Tuebingen
Classification: Benign. Last evaluated: 2026-05-01. Review status: criteria provided, single submitter. Criteria: CeGaT Center For Human Genetics Tuebingen Variant Classification Criteria Version 2. Collection method: clinical testing. Allele origin: germline. Affected: yes. Observed: 2 variant alleles.
Comment: TTC21B: BP4, BS1, BS2

Labcorp Genetics (formerly Invitae), Labcorp
Classification: Benign for Jeune thoracic dystrophy; Nephronophthisis. Last evaluated: 2026-02-01. Review status: criteria provided, single submitter. Criteria: Invitae Variant Classification Sherloc (09022015). Collection method: clinical testing. Allele origin: germline.

Mayo Clinic Laboratories, Mayo Clinic
Classification: Benign. Last evaluated: 2024-08-28. Review status: criteria provided, single submitter. Criteria: ACMG Guidelines, 2015. Collection method: clinical testing. Allele origin: germline. Observed: 6 variant alleles.
Comment: BS1, BS2, BP4

ARUP Laboratories, Molecular Genetics and Genomics, ARUP Laboratories
Classification: Benign. Last evaluated: 2023-06-28. Review status: criteria provided, single submitter. Criteria: ARUP Molecular Germline Variant Investigation Process 2024. Collection method: clinical testing. Allele origin: germline.

Fulgent Genetics
Classification: Benign for Asphyxiating thoracic dystrophy 4; Nephronophthisis 12. Last evaluated: 2021-10-21. Review status: criteria provided, single submitter. Criteria: ACMG Guidelines, 2015. Collection method: clinical testing. Allele origin: unknown.

Genome Diagnostics Laboratory, The Hospital for Sick Children
Classification: Likely benign for Connective tissue disorder. Last evaluated: 2019-08-01. Review status: criteria provided, single submitter. Criteria: ACMG Guidelines, 2015. Collection method: clinical testing. Allele origin: germline.

Illumina Laboratory Services, Illumina
Classification: Likely benign for Asphyxiating thoracic dystrophy 4. Last evaluated: 2017-04-28. Review status: criteria provided, single submitter. Criteria: ICSL Variant Classification Criteria 13 December 2019. Collection method: clinical testing. Allele origin: germline.
Comment: This variant was observed as part of a predisposition screen in an ostensibly healthy population. A literature search was performed for the gene, cDNA change, and amino acid change (where applicable). No publications were found based on this search. Allele frequency data from public databases allowed determination this variant is unlikely to cause disease. Therefore, this variant is classified as likely benign.

Illumina Laboratory Services, Illumina
Classification: Likely benign for Nephronophthisis 12. Last evaluated: 2017-04-28. Review status: criteria provided, single submitter. Criteria: ICSL Variant Classification Criteria 13 December 2019. Collection method: clinical testing. Allele origin: germline.
Comment: This variant was observed as part of a predisposition screen in an ostensibly healthy population. A literature search was performed for the gene, cDNA change, and amino acid change (where applicable). Publications were found based on this search. The evidence from the literature, in combination with allele frequency data from public databases where available, was sufficient to determine this variant is unlikely to cause disease. Therefore, this variant is classified as likely benign.

GeneDx
Classification: Benign. Last evaluated: 2016-09-20. Review status: criteria provided, single submitter. Criteria: GeneDx Variant Classification (06012015). Collection method: clinical testing. Allele origin: germline. Affected: yes.
Comment: This variant is considered likely benign or benign based on one or more of the following criteria: it is a conservative change, it occurs at a poorly conserved position in the protein, it is predicted to be benign by multiple in silico algorithms, and/or has population frequency not consistent with disease.

Eurofins Ntd Llc (ga)
Classification: Benign. Last evaluated: 2014-09-04. Review status: criteria provided, single submitter. Criteria: EGL Classification Definitions 2015. Collection method: clinical testing. Allele origin: germline. Observed: 1 variant allele, 1 heterozygote.

Breakthrough Genomics
Classification: Likely benign. Review status: criteria provided, single submitter. Criteria: ACMG Guidelines, 2015. Collection method: not provided. Allele origin: germline. Inheritance: Autosomal recessive inheritance. Affected: yes.

PreventionGenetics, part of Exact Sciences
Classification: Benign. Review status: criteria provided, single submitter. Criteria: ACMG Guidelines, 2015. Collection method: clinical testing. Allele origin: germline.

Dr. Peter K. Rogan Lab, Western University
No classification provided (evidence only). Condition: Clear cell carcinoma of kidney. Review status: no classification provided. Collection method: in vitro. Allele origin: not applicable. Functional consequence: retained intron. Not counted in ClinVar's aggregate classification.

Dr. Peter K. Rogan Lab, Western University
No classification provided (evidence only). Condition: Acute myeloid leukemia. Review status: no classification provided. Collection method: in vitro. Allele origin: not applicable. Functional consequence: retained intron. Not counted in ClinVar's aggregate classification.

Dr. Peter K. Rogan Lab, Western University
No classification provided (evidence only). Condition: Uterine corpus endometrial carcinoma. Review status: no classification provided. Collection method: in vitro. Allele origin: not applicable. Functional consequence: skipped exon. Not counted in ClinVar's aggregate classification.

Genetic Services Laboratory, University of Chicago
Classification: Likely benign for AllHighlyPenetrant. Review status: no assertion criteria provided. Collection method: clinical testing. Allele origin: germline. Inheritance: Autosomal recessive inheritance. Not counted in ClinVar's aggregate classification.
Comment: Likely benign based on allele frequency in 1000 Genomes Project or ESP global frequency and its presence in a patient with a rare or unrelated disease phenotype. NOT Sanger confirmed.

Genome Diagnostics Laboratory, University Medical Center Utrecht
Classification: Benign. Review status: no assertion criteria provided. Collection method: clinical testing. Allele origin: germline. Affected: yes. Study: VKGL Data-share Consensus. Not counted in ClinVar's aggregate classification.

Laboratory of Diagnostic Genome Analysis, Leiden University Medical Center (LUMC)
Classification: Likely benign. Review status: no assertion criteria provided. Collection method: clinical testing. Allele origin: germline. Affected: yes. Study: VKGL Data-share Consensus. Not counted in ClinVar's aggregate classification.

Literature cited by the submitters: PubMed 21258341 (cited by Illumina Laboratory Services, Illumina).